The following is an entry in ClinVar:

NM_022124.6(CDH23):c.7210C>T (p.Gln2404Ter)

Gene: CDH23 (cadherin related 23; plus strand). Cytogenetic location: 10q22.1.
Variant type: single nucleotide variant.
Coding change: c.7210C>T on transcript NM_022124.6 (MANE Select); coding-DNA position 7210, C replaced by T.
Protein change: p.Gln2404Ter; replaces glutamine 2404 with a stop codon.
Molecular consequence: nonsense.
Genome position (GRCh38, 1-based): chr10:71,799,266, C>T. VCF-style: chr10-71799266-C-T. GRCh37 (hg19) VCF-style: chr10-73559023-C-T.
Other names: c.490C>T, p.Gln164Ter (NM_001171933.1, NM_001171934.1); short protein forms Q2404*, Q164*.
Identifiers: ClinVar variation 1454111 (VCV001454111.8), dbSNP rs2132968121, ClinGen allele CA377158988.

ClinVar aggregate classification (germline): Pathogenic. Review status: criteria provided, multiple submitters, no conflicts (2 of 4 stars). 3 submissions from 3 submitters: Pathogenic (3). Last evaluated 2024-10-11.

Conditions:
Pituitary adenoma 5, multiple types. Identifiers: MedGen C4539685, MONDO:0054601, OMIM 617540.
Usher syndrome. Also called: Usher Syndromes; Usher's syndrome. Identifiers: Orphanet 886, MedGen CN469326, MeSH D052245, MONDO:0019501. Disease mechanism: loss of function.

Submissions (3):

Women's Health and Genetics/Laboratory Corporation of America, LabCorp
Classification: Pathogenic for Usher syndrome. Last evaluated: 2024-10-11. Review status: criteria provided, single submitter. Criteria: LabCorp Variant Classification Summary - May 2015. Collection method: clinical testing. Allele origin: germline.
Comment: Variant summary: CDH23 c.7210C>T (p.Gln2404X) results in a premature termination codon, predicted to cause absence of the protein due to nonsense mediated decay, which is a commonly known mechanism for disease. The variant was absent in 249222 control chromosomes (gnomAD). c.7210C>T has been reported in the literature in an individual affected with hearing loss (Cesca_2020). The following publication has been ascertained in the context of this evaluation (PMID: 32467589). ClinVar contains an entry for this variant (Variation ID: 1454111). Based on the evidence outlined above, the variant was classified as pathogenic.

Labcorp Genetics (formerly Invitae), Labcorp
Classification: Pathogenic. Last evaluated: 2024-06-11. Review status: criteria provided, single submitter. Criteria: Invitae Variant Classification Sherloc (09022015). Collection method: clinical testing. Allele origin: germline.
Comment: This sequence change creates a premature translational stop signal (p.Gln2404*) in the CDH23 gene. It is expected to result in an absent or disrupted protein product. Loss-of-function variants in CDH23 are known to be pathogenic (PMID: 11138009, 21940737). This variant is not present in population databases (gnomAD no frequency). This premature translational stop signal has been observed in individual(s) with CDH23-related conditions (PMID: 32467589). ClinVar contains an entry for this variant (Variation ID: 1454111). For these reasons, this variant has been classified as Pathogenic.

Baylor Genetics
Classification: Pathogenic for Pituitary adenoma 5, multiple types. Last evaluated: 2023-02-13. Review status: criteria provided, single submitter. Criteria: ACMG Guidelines, 2015. Collection method: clinical testing. Allele origin: unknown.

Literature cited by the submitters: PubMed 32467589 (cited by Women's Health and Genetics/Laboratory Corporation of America, LabCorp and Labcorp Genetics (formerly Invitae), Labcorp); PubMed 11138009 (cited by Labcorp Genetics (formerly Invitae), Labcorp); PubMed 21940737 (cited by Labcorp Genetics (formerly Invitae), Labcorp).